The following is an entry in ClinVar:

NM_002103.5(GYS1):c.2065C>T (p.Arg689Cys)

Gene: GYS1 (glycogen synthase 1; minus strand). Cytogenetic location: 19q13.33.
Variant type: single nucleotide variant.
Coding change: c.2065C>T on transcript NM_002103.5 (MANE Select); coding-DNA position 2065, C replaced by T.
Protein change: p.Arg689Cys; replaces arginine 689 with cysteine.
Molecular consequence: missense variant. On other transcripts: non-coding transcript variant (1).
Genome position (GRCh38, 1-based): chr19:48,969,437, G>A on the plus strand (C>T on the coding strand, the complement: GYS1 is on the minus strand). VCF-style: chr19-48969437-G-A. GRCh37 (hg19) VCF-style: chr19-49472694-G-A.
Other names: p.Arg689Cys; c.2065C>T (NM_002103.4); c.1873C>T, p.Arg625Cys (NM_001161587.2); short protein forms R625C, R689C.
Identifiers: ClinVar variation 1006088 (VCV001006088.6), dbSNP rs994882983, ClinGen allele CA309381974.

ClinVar aggregate classification (germline): Uncertain significance. Review status: criteria provided, multiple submitters, no conflicts (2 of 4 stars). 3 submissions from 3 submitters: Uncertain significance (3). Last evaluated 2025-04-13.

Conditions:
Inborn genetic diseases. Identifiers: MedGen C0950123, MeSH D030342.
Glycogen storage disease due to muscle and heart glycogen synthase deficiency. Also called: GSD 0b; MUSCLE GLYCOGEN SYNTHASE DEFICIENCY. Identifiers: Orphanet 137625, MedGen C1969054, MONDO:0012693, OMIM 611556.

Allele frequency attached by ClinVar (database versions not stated): gnomAD exomes 0.00002; gnomAD 0.00006; TOPMed 0.00009.
gnomAD v4.1: 18 of 1,545,550 alleles (0.0012%); highest among the groups gnomAD compares: Admixed American, 0.016%; no homozygotes.

Submissions (3):

Ambry Genetics
Classification: Uncertain significance for Inborn genetic diseases. Last evaluated: 2025-04-13. Review status: criteria provided, single submitter. Criteria: Ambry Variant Classification Scheme 2023. Collection method: clinical testing. Allele origin: germline.

Mayo Clinic Laboratories, Mayo Clinic
Classification: Uncertain significance. Last evaluated: 2024-08-26. Review status: criteria provided, single submitter. Criteria: ACMG Guidelines, 2015. Collection method: clinical testing. Allele origin: germline. Observed: 1 variant allele.
Comment: PM2

Labcorp Genetics (formerly Invitae), Labcorp
Classification: Uncertain significance for Glycogen storage disease due to muscle and heart glycogen synthase deficiency. Last evaluated: 2022-06-13. Review status: criteria provided, single submitter. Criteria: Invitae Variant Classification Sherloc (09022015). Collection method: clinical testing. Allele origin: germline.
Comment: This sequence change replaces arginine, which is basic and polar, with cysteine, which is neutral and slightly polar, at codon 689 of the GYS1 protein (p.Arg689Cys). This variant is present in population databases (no rsID available, gnomAD 0.008%). This variant has not been reported in the literature in individuals affected with GYS1-related conditions. ClinVar contains an entry for this variant (Variation ID: 1006088). Algorithms developed to predict the effect of missense changes on protein structure and function are either unavailable or do not agree on the potential impact of this missense change (SIFT: "Deleterious"; PolyPhen-2: "Possibly Damaging"; Align-GVGD: "Class C0"). In summary, the available evidence is currently insufficient to determine the role of this variant in disease. Therefore, it has been classified as a Variant of Uncertain Significance.